The following is an entry in ClinVar:

NM_000059.4(BRCA2):c.3080G>A (p.Ser1027Asn)

Gene: BRCA2 (BRCA2 DNA repair associated; plus strand). Cytogenetic location: 13q13.1.
Variant type: single nucleotide variant.
Coding change: c.3080G>A on transcript NM_000059.4 (MANE Select); coding-DNA position 3080, G replaced by A.
Protein change: p.Ser1027Asn; replaces serine 1027 with asparagine.
Molecular consequence: missense variant. On other transcripts: non-coding transcript variant (1), intron variant (2).
Genome position (GRCh38, 1-based): chr13:32,337,435, G>A. VCF-style: chr13-32337435-G-A. GRCh37 (hg19) VCF-style: chr13-32911572-G-A.
Other names: c.3080G>A, p.Ser1027Asn (NM_001406719.1, NM_001406720.1, NM_001432077.1); c.1909+4048G>A (NM_001406721.1); c.424+6405G>A (NM_001406722.1); short protein forms S1027N.
Identifiers: ClinVar variation 4692049 (VCV004692049.1).

ClinVar aggregate classification (germline): Uncertain significance (1 of 4 stars; one submission).

Conditions:
Hereditary breast ovarian cancer syndrome. Also called: Hereditary breast and ovarian cancer syndrome (HBOC); Breast and ovarian cancer; Hereditary breast and ovarian cancer; Hereditary breast and ovarian cancer syndrome; BRCA1- and BRCA2-Associated Hereditary Breast and Ovarian Cancer; Hereditary breast and/or ovarian cancer syndrome. Identifiers: Orphanet 145, MedGen C0677776, MeSH D061325, MONDO:0003582. Disease mechanism: loss of function.

gnomAD v4.1: 1 of 1,612,870 alleles (0.000062%); highest among the groups gnomAD compares: East Asian, 0.0022%; no homozygotes.

Submission:

Labcorp Genetics (formerly Invitae), Labcorp
Classification: Uncertain significance for Hereditary breast ovarian cancer syndrome. Last evaluated: 2025-10-16. Review status: criteria provided, single submitter. Criteria: Invitae Variant Classification Sherloc (09022015). Collection method: clinical testing. Allele origin: germline.
Comment: This sequence change replaces serine, which is neutral and polar, with asparagine, which is neutral and polar, at codon 1027 of the BRCA2 protein (p.Ser1027Asn). This variant is not present in population databases (gnomAD no frequency). This missense change has been observed in individual(s) with BRCA2-related conditions (PMID: 31825140). Invitae Evidence Modeling of protein sequence and biophysical properties (such as structural, functional, and spatial information, amino acid conservation, physicochemical variation, residue mobility, and thermodynamic stability) indicates that this missense variant is not expected to disrupt BRCA2 protein function with a negative predictive value of 95%. In summary, the available evidence is currently insufficient to determine the role of this variant in disease. Therefore, it has been classified as a Variant of Uncertain Significance.

Literature cited by the submitters: PubMed 31825140.